The following is an entry in ClinVar:

NM_001278512.2(AP3B2):c.735C>G (p.Arg245=)

Genes: AP3B2 (adaptor related protein complex 3 subunit beta 2; minus strand), CPEB1-AS1 (CPEB1 antisense RNA 1; plus strand). Cytogenetic location: 15q25.2.
Variant type: single nucleotide variant.
Coding change: c.735C>G on transcript NM_001278512.2 (MANE Select); coding-DNA position 735, C replaced by G.
Protein change: p.Arg245=; no amino-acid change (arginine 245 retained).
Molecular consequence: synonymous variant.
Genome position (GRCh38, 1-based): chr15:82,680,873, G>C on the plus strand (C>G on the coding strand, the complement: AP3B2 is on the minus strand). VCF-style: chr15-82680873-G-C. GRCh37 (hg19) VCF-style: chr15-83349625-G-C.
Other names: c.639C>G, p.Arg213= (NM_001278511.2); c.735C>G, p.Arg245= (NM_004644.5).
Identifiers: ClinVar variation 1438419 (VCV001438419.9), dbSNP rs2151441201, ClinGen allele CA491998149.
Genomic context (GRCh38, chr15:82,680,873, plus strand): 5'-TCTGCCTGGGCTGGGCCCACTTACGTTCTGGGTGGGGCTCAGGAACTGCGTGCGGGCGTA[G>C]CGGGTGAGCATGCTGATGATGACCACCTGGCCCCACTCCTCCACGTCGATCAGCAGGTTA-3'
Protein context (NP_001265441.1, residues 235-255): GQVVIISMLT[Arg245=]YARTQFLSPT

ClinVar aggregate classification (germline): Uncertain significance (1 of 4 stars; one submission).

gnomAD v4.1: 1 of 1,613,908 alleles (0.000062%); highest among the groups gnomAD compares: African/African-American, 0.0013%; no homozygotes.

Submission:

Labcorp Genetics (formerly Invitae), Labcorp
Classification: Uncertain significance. Last evaluated: 2022-02-03. Review status: criteria provided, single submitter. Criteria: Invitae Variant Classification Sherloc (09022015). Collection method: clinical testing. Allele origin: germline.
Comment: In summary, the available evidence is currently insufficient to determine the role of this variant in disease. Therefore, it has been classified as a Variant of Uncertain Significance. Algorithms developed to predict the effect of sequence changes on RNA splicing suggest that this variant may create or strengthen a splice site. This variant has not been reported in the literature in individuals affected with AP3B2-related conditions. This variant is not present in population databases (gnomAD no frequency). This sequence change affects codon 245 of the AP3B2 mRNA. It is a 'silent' change, meaning that it does not change the encoded amino acid sequence of the AP3B2 protein.